The following is an entry in ClinVar:

NM_018699.4(PRDM5):c.1728+2T>G

Gene: PRDM5 (PR/SET domain 5; minus strand). Cytogenetic location: 4q27.
Variant type: single nucleotide variant.
Coding change: c.1728+2T>G on transcript NM_018699.4 (MANE Select); the canonical splice donor site of the intron after coding-DNA position 1728, T replaced by G.
Molecular consequence: splice donor variant. On other transcripts: intron variant (1).
Genome position (GRCh38, 1-based): chr4:120,710,307, A>C on the plus strand (T>G on the coding strand, the complement: PRDM5 is on the minus strand). VCF-style: chr4-120710307-A-C. GRCh37 (hg19) VCF-style: chr4-121631462-A-C.
Other names: c.*43+2T>G (NM_001300824.2); c.1531-15032T>G (NM_001379106.1); c.1635+2T>G (NM_001300823.2); c.1761+2T>G (NM_001379104.1).
Identifiers: ClinVar variation 4747907 (VCV004747907.1).
Genomic context (GRCh38, chr4:120,710,307, plus strand): 5'-ACACACACACCCCTACTTTCTGTTATTGGAAGACACTATGGGGGAAAAAAATCCAAACTC[A>C]CATCACACTGAAAAGGCTTTTCTCCAGTGTGCGTCCTCTTGTGCTCATCCAGGCCTCGCT-3'

ClinVar aggregate classification (germline): Uncertain significance (1 of 4 stars; one submission).

Submission:

Labcorp Genetics (formerly Invitae), Labcorp
Classification: Uncertain significance. Last evaluated: 2025-12-05. Review status: criteria provided, single submitter. Criteria: Invitae Variant Classification Sherloc (09022015). Collection method: clinical testing. Allele origin: germline.
Comment: This sequence change affects a donor splice site in intron 15 of the PRDM5 gene. While this variant is not anticipated to result in nonsense mediated decay, it likely alters RNA splicing and results in a disrupted protein product. This variant is not present in population databases (gnomAD no frequency). This variant has not been reported in the literature in individuals affected with PRDM5-related conditions. Variants that disrupt the consensus splice site are a relatively common cause of aberrant splicing (PMID: 17576681, 9536098). Algorithms developed to predict the effect of sequence changes on RNA splicing suggest that this variant may disrupt the consensus splice site. This variant disrupts the C-terminus of the PRDM5 protein. Other variant(s) that disrupt this region (p.His620Thrfs*8, p.Arg590X ) have been observed in individuals with PRDM5-related conditions (PMID: 21664999, 33739556). This suggests that this may be a clinically significant region of the protein. In summary, the available evidence is currently insufficient to determine the role of this variant in disease. Therefore, it has been classified as a Variant of Uncertain Significance.

Literature cited by the submitters: PubMed 17576681; PubMed 9536098; PubMed 21664999; PubMed 33739556.